The following is an entry in ClinVar:

NM_004725.4(BUB3):c.795C>A (p.Asn265Lys)

Gene: BUB3 (BUB3 mitotic checkpoint protein; plus strand). Cytogenetic location: 10q26.13.
Variant type: single nucleotide variant.
Coding change: c.795C>A on transcript NM_004725.4 (MANE Select); coding-DNA position 795, C replaced by A.
Protein change: p.Asn265Lys; replaces asparagine 265 with lysine.
Molecular consequence: missense variant.
Genome position (GRCh38, 1-based): chr10:123,162,652, C>A. VCF-style: chr10-123162652-C-A. GRCh37 (hg19) VCF-style: chr10-124922168-C-A.
Other names: c.795C>A, p.Asn265Lys (NM_001007793.3); short protein forms N265K.
Identifiers: ClinVar variation 1761388 (VCV001761388.2), dbSNP rs576902773, ClinGen allele CA378626932.

ClinVar aggregate classification (germline): Uncertain significance (1 of 4 stars; one submission).

Submission:

Ambry Genetics
Classification: Uncertain significance. Last evaluated: 2021-11-19. Review status: criteria provided, single submitter. Criteria: Ambry Variant Classification Scheme 2023. Collection method: clinical testing. Allele origin: germline.
Comment: The p.N265K variant (also known as c.795C>A), located in coding exon 6 of the BUB3 gene, results from a C to A substitution at nucleotide position 795. The asparagine at codon 265 is replaced by lysine, an amino acid with similar properties. This amino acid position is conserved. In addition, this alteration is predicted to be tolerated by in silico analysis. Since supporting evidence is limited at this time, the clinical significance of this alteration remains unclear.